The following is an entry in ClinVar:

ClinVar aggregate classification (germline): Pathogenic. Review status: criteria provided, multiple submitters, no conflicts (2 of 4 stars). 2 submissions from 2 submitters: Pathogenic (2). Last evaluated 2026-02-23.

Conditions:
Hereditary pheochromocytoma and paraganglioma. Also called: Hereditary pheochromocytoma-paraganglioma; Hereditary Paraganglioma-Pheochromocytoma Syndromes; Hereditary paragangliomas and pheochromocytomas. Identifiers: Orphanet 29072, MedGen C4274332, MONDO:0017366.
Pheochromocytoma/paraganglioma syndrome 3. Also called: GLOMUS TUMORS, FAMILIAL, 3; Paragangliomas 3; SDHC-Related Hereditary Paraganglioma-Pheochromocytoma Syndrome (Paragangliomas 3); SDHC-Related Hereditary Paraganglioma-Pheochromocytoma Syndrome. Identifiers: Orphanet 29072, MedGen C1854336, MONDO:0011544, OMIM 605373.
Gastrointestinal stromal tumor. Also called: Gastrointestinal stromal tumor, somatic; Gastrointestinal stroma tumor. Identifiers: Orphanet 44890, MedGen C0238198, MeSH D046152, MONDO:0011719, OMIM 606764, HP:0100723.

Submissions (2):

Myriad Genetics, Inc.
Classification: Pathogenic for Hereditary pheochromocytoma and paraganglioma. Last evaluated: 2026-02-23. Review status: criteria provided, single submitter. Criteria: Myriad Autosomal Dominant, Autosomal Recessive and X-Linked Classification Criteria (2023). Collection method: clinical testing. Allele origin: unknown.
Comment: This variant is considered pathogenic. This variant creates a frameshift predicted to result in premature protein truncation.

Labcorp Genetics (formerly Invitae), Labcorp
Classification: Pathogenic for Pheochromocytoma/paraganglioma syndrome 3; Gastrointestinal stromal tumor. Last evaluated: 2019-01-01. Review status: criteria provided, single submitter. Criteria: Invitae Variant Classification Sherloc (09022015). Collection method: clinical testing. Allele origin: germline.
Comment: For these reasons, this variant has been classified as Pathogenic. Loss-of-function variants in SDHC are known to be pathogenic (PMID: 19454582, 24758179). This variant has not been reported in the literature in individuals with SDHC-related conditions. This variant is not present in population databases (ExAC no frequency). This sequence change creates a premature translational stop signal (p.Trp61Cysfs*18) in the SDHC gene. It is expected to result in an absent or disrupted protein product.

Literature cited by the submitters: PubMed 19454582 (cited by Labcorp Genetics (formerly Invitae), Labcorp); PubMed 24758179 (cited by Labcorp Genetics (formerly Invitae), Labcorp).

NM_003001.5(SDHC):c.183del (p.Trp61fs)

Gene: SDHC (succinate dehydrogenase complex subunit C; plus strand). Cytogenetic location: 1q23.3.
Variant type: Deletion.
Coding change: c.183del on transcript NM_003001.5 (MANE Select); coding-DNA position 183, one base deleted (G; older notation c.183delG).
Protein change: p.Trp61fs; shifts the reading frame from tryptophan 61.
Molecular consequence: frameshift variant.
Genome position (GRCh38, 1-based): chr1:161,340,597, G deleted; the last of 2 consecutive G bases (chr1:161,340,596-161,340,597); deleting either gives the same sequence. VCF-style (leftmost placement, unchanged base first): chr1-161340595-TG-T. GRCh37 (hg19) VCF-style: chr1-161310385-TG-T.
Other names: c.183delG, p.Trp61Cysfs (NM_001035511.3, NM_003001.3); c.81delG, p.Trp27Cysfs (NM_001035512.3, NM_001278172.3, NM_001407118.1); c.24delG, p.Trp8Cysfs (NM_001035513.3); c.303delG, p.Trp101Cysfs (NM_001407115.1); c.126delG, p.Trp42Cysfs (NM_001407116.1, NM_001407117.1, NM_001407121.1); c.72delG, p.Trp24Cysfs (NM_001407119.1, NM_001407120.1); short protein forms W61fs, W8fs, W27fs.
Identifiers: ClinVar variation 851539 (VCV000851539.10), dbSNP rs1671684409, ClinGen allele CA916081291.
Genomic context (GRCh38, chr1:161,340,595, plus strand): 5'-CTCTCTACTATGGTGTCATCTTTTCCTTTTTAAAATTGTCTTTGTGTGTTTCTTTACAGT[TG>T]GTCTCTTCCCATGGCGATGTCCATCTGCCACCGTGGCACTGGTATTGCTTTGAGTGCAGG-3'